The following is an entry in ClinVar:

NC_000001.11:g.248361661T>C

Gene: OR2T4 (olfactory receptor family 2 subfamily T member 4; plus strand). Cytogenetic location: 1q44.
Variant type: single nucleotide variant.
Genome position: GRCh38 VCF-style: chr1-248361661-T-C. GRCh37 (hg19) VCF-style: chr1-248524963-T-C.
Identifiers: ClinVar variation 3025704 (VCV003025704.20), dbSNP rs2464818012, ClinGen allele CA424747186.

ClinVar aggregate classification (germline): Likely benign (1 of 4 stars; one submission).

Submission:

CeGaT Center for Human Genetics Tuebingen
Classification: Likely benign. Last evaluated: 2024-02-01. Review status: criteria provided, single submitter. Criteria: CeGaT Center For Human Genetics Tuebingen Variant Classification Criteria Version 2. Collection method: clinical testing. Allele origin: germline. Affected: yes. Observed: 1 variant allele.
Comment: OR2T4: PM2:Supporting, BP4, BP7